The following is an entry in ClinVar:

NM_018192.4(P3H2):c.1807C>T (p.Arg603Ter)

Gene: P3H2 (prolyl 3-hydroxylase 2; minus strand). Cytogenetic location: 3q28.
Variant type: single nucleotide variant.
Coding change: c.1807C>T on transcript NM_018192.4 (MANE Select); coding-DNA position 1807, C replaced by T.
Protein change: p.Arg603Ter; replaces arginine 603 with a stop codon.
Molecular consequence: nonsense.
Genome position (GRCh38, 1-based): chr3:189,971,900, G>A on the plus strand (C>T on the coding strand, the complement: P3H2 is on the minus strand). VCF-style: chr3-189971900-G-A. GRCh37 (hg19) VCF-style: chr3-189689689-G-A.
Other names: c.1264C>T, p.Arg422Ter (NM_001134418.2); short protein forms R422*, R603*.
Identifiers: ClinVar variation 970726 (VCV000970726.7), dbSNP rs35067805, ClinGen allele CA2752779.

ClinVar aggregate classification (germline): Pathogenic/Likely pathogenic. Review status: criteria provided, multiple submitters, no conflicts (2 of 4 stars). 2 submissions from 2 submitters: Pathogenic (1); Likely pathogenic (1). Last evaluated 2024-11-05.

Conditions:
LEPREL1-related disorders.

Allele frequency attached by ClinVar (database versions not stated): TOPMed 0.00002.
gnomAD v4.1: 74 of 1,599,652 alleles (0.0046%); highest among the groups gnomAD compares: Non-Finnish European, 0.0058%; no homozygotes.

Submissions (2):

Labcorp Genetics (formerly Invitae), Labcorp
Classification: Pathogenic. Last evaluated: 2024-11-05. Review status: criteria provided, single submitter. Criteria: Invitae Variant Classification Sherloc (09022015). Collection method: clinical testing. Allele origin: germline.
Comment: This sequence change creates a premature translational stop signal (p.Arg603*) in the P3H2 gene. It is expected to result in an absent or disrupted protein product. Loss-of-function variants in P3H2 are known to be pathogenic (PMID: 24172257, 25469533). This variant is present in population databases (rs35067805, gnomAD 0.008%). This variant has not been reported in the literature in individuals affected with P3H2-related conditions. ClinVar contains an entry for this variant (Variation ID: 970726). Algorithms developed to predict the effect of sequence changes on RNA splicing suggest that this variant may disrupt the consensus splice site. For these reasons, this variant has been classified as Pathogenic.

Blueprint Genetics
Classification: Likely pathogenic for LEPREL1-related disorders. Last evaluated: 2021-02-02. Review status: criteria provided, single submitter. Criteria: ACMG Guidelines, 2015. Collection method: clinical testing. Allele origin: germline. Affected: yes. Observed: 4 variant alleles.

Literature cited by the submitters: PubMed 24172257 (cited by Labcorp Genetics (formerly Invitae), Labcorp); PubMed 25469533 (cited by Labcorp Genetics (formerly Invitae), Labcorp).